The following is an entry in ClinVar:

NM_000363.5(TNNI3):c.45A>C (p.Ala15=)

Gene: TNNI3 (troponin I3, cardiac type; minus strand). Cytogenetic location: 19q13.42.
Variant type: single nucleotide variant.
Coding change: c.45A>C on transcript NM_000363.5 (MANE Select); coding-DNA position 45, A replaced by C.
Protein change: p.Ala15=; no amino-acid change (alanine 15 retained).
Molecular consequence: synonymous variant.
Genome position (GRCh38, 1-based): chr19:55,157,113, T>G on the plus strand (A>C on the coding strand, the complement: TNNI3 is on the minus strand). VCF-style: chr19-55157113-T-G. GRCh37 (hg19) VCF-style: chr19-55668481-T-G.
Other names: p.Ala15=; c.45A>C (LRG_432t1).
Identifiers: ClinVar variation 525123 (VCV000525123.11), dbSNP rs377421427, ClinGen allele CA051639.
Genomic context (GRCh38, chr19:55,157,113, plus strand): 5'-GGCGTGCGGCTCCGTGGCATAAGCGCGGTAGTTGGAGGAGCGGCGTCTGATTGGGGCTGG[T>G]GCAGGGCGAGGTTCCCTAGCCTGGGTTAGGAGGAGTGGGGACCCCATCACCACCAAGACC-3'
Protein context (NP_000354.4, residues 5-25): SSDAAREPRP[Ala15=]PAPIRRRSSN

ClinVar aggregate classification (germline): Conflicting classifications of pathogenicity. Review status: criteria provided, conflicting classifications (1 of 4 stars). 4 submissions from 4 submitters: Uncertain significance (3); Likely benign (1). Last evaluated 2025-11-09.

Conditions:
Hypertrophic cardiomyopathy. Also called: HYPERTROPHIC MYOCARDIOPATHY. Identifiers: Orphanet 217569, MedGen C0007194, MeSH D002312, MONDO:0005045, HP:0001639.
Cardiomyopathy (CMYO). Also called: Cardiomyopathies. Identifiers: Orphanet 167848, MedGen C0878544, MONDO:0004994, HP:0001638. Inheritance: Various modes of inheritance.

Allele frequency attached by ClinVar (database versions not stated): gnomAD exomes 0.00001; TOPMed below 0.00001; ExAC 0.00001; gnomAD 0.00003.
gnomAD v4.1: 14 of 1,602,184 alleles (0.00087%); highest among the groups gnomAD compares: African/African-American, 0.0027%; no homozygotes.

Submissions (4):

Mayo Clinic Laboratories, Mayo Clinic
Classification: Uncertain significance. Last evaluated: 2025-11-09. Review status: criteria provided, single submitter. Criteria: ACMG Guidelines, 2015. Collection method: clinical testing. Allele origin: germline. Observed: 1 variant allele.
Comment: PM2_supporting

Color Diagnostics, LLC DBA Color Health
Classification: Uncertain significance for Cardiomyopathy. Last evaluated: 2025-06-17. Review status: criteria provided, single submitter. Criteria: ACMG Guidelines, 2015. Collection method: clinical testing. Allele origin: germline.
Comment: This variant is located in the TNNI3 protein. To our knowledge, functional studies have not been reported for this variant. This variant has not been reported in individuals affected with TNNI3-related disorders in the literature. This variant has been identified in 2/225220 chromosomes in the general population by the Genome Aggregation Database (gnomAD). The available evidence is insufficient to determine the role of this variant in disease conclusively. Therefore, this variant is classified as a Variant of Uncertain Significance.

All of Us Research Program, National Institutes of Health
Classification: Uncertain significance for Hypertrophic cardiomyopathy. Last evaluated: 2023-12-01. Review status: criteria provided, single submitter. Criteria: ACMG Guidelines, 2015. Collection method: clinical testing. Allele origin: germline. Inheritance: Autosomal dominant inheritance. Observed: 2 variant alleles, 2 heterozygotes.
Comment: This variant is located in the TNNI3 protein. To our knowledge, functional studies have not been reported for this variant. This variant has not been reported in individuals affected with TNNI3-related disorders in the literature. This variant has been identified in 2/225220 chromosomes in the general population by the Genome Aggregation Database (gnomAD). The available evidence is insufficient to determine the role of this variant in disease conclusively. Therefore, this variant is classified as a Variant of Uncertain Significance.

This study involves interpretation of variants in research participants for the purpose of population health screening. Participant phenotype was not available at the time of variant classification. Additional details can be found in publication PMID: 35346344, PMCID: PMC8962531

Labcorp Genetics (formerly Invitae), Labcorp
Classification: Likely benign for Hypertrophic cardiomyopathy. Last evaluated: 2020-06-16. Review status: criteria provided, single submitter. Criteria: Invitae Variant Classification Sherloc (09022015). Collection method: clinical testing. Allele origin: germline.